The following is an entry in ClinVar:

NM_002529.4(NTRK1):c.226C>A (p.Gln76Lys)

Gene: NTRK1 (neurotrophic receptor tyrosine kinase 1; plus strand). Cytogenetic location: 1q23.1.
Variant type: single nucleotide variant.
Coding change: c.226C>A on transcript NM_002529.4 (MANE Select); coding-DNA position 226, C replaced by A.
Protein change: p.Gln76Lys; replaces glutamine 76 with lysine.
Molecular consequence: missense variant.
Genome position (GRCh38, 1-based): chr1:156,864,367, C>A. VCF-style: chr1-156864367-C-A. GRCh37 (hg19) VCF-style: chr1-156834159-C-A.
Other names: c.136C>A, p.Gln46Lys (NM_001007792.1); c.226C>A, p.Gln76Lys (NM_001012331.2); short protein forms Q76K, Q46K.
Identifiers: ClinVar variation 1422861 (VCV001422861.5), dbSNP rs2102885178, ClinGen allele CA342931496.
Genomic context (GRCh38, chr1:156,864,367, plus strand): 5'-TCAAGTGTGGGCCTGAGCCCTGTGACTCCCATCCGCTCTCCCCACAGCTACATCGAGAAC[C>A]AGCAGCATCTGCAGCATCTGGAGCTCCGTGATCTGAGGGGCCTGGGGGAGCTGAGAAACC-3'
Protein context (NP_002520.2, residues 66-86): ENLTELYIEN[Gln76Lys]QHLQHLELRD

ClinVar aggregate classification (germline): Uncertain significance (1 of 4 stars; one submission).

Conditions:
Hereditary insensitivity to pain with anhidrosis (CIPA). Also called: INSENSITIVITY TO PAIN, CONGENITAL, WITH ANHIDROSIS; HSAN Type IV; FAMILIAL DYSAUTONOMIA, TYPE II; hereditary sensory and autonomic neuropathy type 4; NTRK1 Congenital Insensitivity to Pain with Anhidrosis; NEUROPATHY, CONGENITAL SENSORY, WITH ANHIDROSIS. Identifiers: Orphanet 642, MedGen C0020074, MONDO:0009746, OMIM 256800.

Allele frequency attached by ClinVar (database versions not stated): gnomAD exomes below 0.00001.
gnomAD v4.1: 1 of 1,614,182 alleles (0.000062%); highest among the groups gnomAD compares: Non-Finnish European, 0.000085%; no homozygotes.

Submission:

Labcorp Genetics (formerly Invitae), Labcorp
Classification: Uncertain significance for Hereditary insensitivity to pain with anhidrosis. Last evaluated: 2021-09-17. Review status: criteria provided, single submitter. Criteria: Invitae Variant Classification Sherloc (09022015). Collection method: clinical testing. Allele origin: germline.
Comment: This sequence change replaces glutamine with lysine at codon 76 of the NTRK1 protein (p.Gln76Lys). The glutamine residue is highly conserved and there is a small physicochemical difference between glutamine and lysine. This variant is not present in population databases (ExAC no frequency). This variant has not been reported in the literature in individuals with NTRK1-related disease. Algorithms developed to predict the effect of missense changes on protein structure and function are either unavailable or do not agree on the potential impact of this missense change (SIFT: "Deleterious"; PolyPhen-2: "Possibly Damaging"; Align-GVGD: "Class C0"). In summary, the available evidence is currently insufficient to determine the role of this variant in disease. Therefore, it has been classified as a Variant of Uncertain Significance.